The following is an entry in ClinVar:

ClinVar aggregate classification (germline): Uncertain significance (1 of 4 stars; one submission).

Conditions:
Ataxia-telangiectasia syndrome (AT). Also called: Ataxia-telangiectasia, complementation group D; Cerebello-oculocutaneous telangiectasia; Immunodeficiency with ataxia telangiectasia; LOUIS-BAR SYNDROME; Ataxia-telangiectasia; AT, COMPLEMENTATION GROUP C. Identifiers: Orphanet 100, MedGen C0004135, MONDO:0008840, OMIM 208900.

Submission:

Labcorp Genetics (formerly Invitae), Labcorp
Classification: Uncertain significance for Ataxia-telangiectasia syndrome. Last evaluated: 2021-08-27. Review status: criteria provided, single submitter. Criteria: Invitae Variant Classification Sherloc (09022015). Collection method: clinical testing. Allele origin: germline.
Comment: This sequence change replaces lysine with asparagine at codon 1580 of the ATM protein (p.Lys1580Asn). The lysine residue is moderately conserved and there is a moderate physicochemical difference between lysine and asparagine. This variant is not present in population databases (ExAC no frequency). This variant has not been reported in the literature in individuals affected with ATM-related conditions. Algorithms developed to predict the effect of missense changes on protein structure and function (SIFT, PolyPhen-2, Align-GVGD) all suggest that this variant is likely to be tolerated. In summary, the available evidence is currently insufficient to determine the role of this variant in disease. Therefore, it has been classified as a Variant of Uncertain Significance.

NM_000051.4(ATM):c.4740A>C (p.Lys1580Asn)

Gene: ATM (ATM serine/threonine kinase; plus strand). Cytogenetic location: 11q22.3.
Variant type: single nucleotide variant.
Coding change: c.4740A>C on transcript NM_000051.4 (MANE Select); coding-DNA position 4740, A replaced by C.
Protein change: p.Lys1580Asn; replaces lysine 1580 with asparagine.
Molecular consequence: missense variant.
Genome position (GRCh38, 1-based): chr11:108,293,441, A>C. VCF-style: chr11-108293441-A-C. GRCh37 (hg19) VCF-style: chr11-108164168-A-C.
Other names: c.4740A>C, p.Lys1580Asn (NM_001351834.2); short protein forms K1580N.
Identifiers: ClinVar variation 933588 (VCV000933588.7), dbSNP rs2082923397, ClinGen allele CA382535064.